The following is an entry in ClinVar:

ClinVar aggregate classification (germline): Likely benign (1 of 4 stars; one submission).

Conditions:
NF1-related disorder. Also called: NF1-related condition. Identifiers: MedGen CN379171.

Submission:

PreventionGenetics, part of Exact Sciences
Classification: Likely benign for NF1-related condition. Last evaluated: 2026-06-12. Review status: criteria provided, single submitter. Criteria: ACMG Guidelines, 2015. Collection method: clinical testing. Allele origin: germline.
Comment: This variant is classified as likely benign based on ACMG/AMP sequence variant interpretation guidelines (Richards et al. 2015 PMID: 25741868, with internal and published modifications).

NM_001042492.3(NF1):c.4110+939_4110+940del

Gene: NF1 (neurofibromin 1; plus strand). Cytogenetic location: 17q11.2.
Variant type: Deletion.
Coding change: c.4110+939_4110+940del on transcript NM_001042492.3 (MANE Select); bases 939 to 940 of the intron after coding-DNA position 4110, 2 bases deleted (AT; older notation c.4110+939_4110+940delAT).
Molecular consequence: intron variant.
Genome position (GRCh38, 1-based): chr17:31,250,058-31,250,059, AT deleted; deleting any 2 consecutive bases within chr17:31,250,057-31,250,059 gives the same sequence; the c. name uses the placement nearest the transcript's 3' end. VCF-style (leftmost placement, unchanged base first): chr17-31250056-CTA-C. GRCh37 (hg19) VCF-style: chr17-29577074-CTA-C.
Other names: c.4110+939_4110+940del (NM_000267.4).
Identifiers: ClinVar variation 4979817 (VCV004979817.1).